The following is an entry in ClinVar:

NM_177438.3(DICER1):c.4109del (p.Val1370fs)

Gene: DICER1 (dicer 1, ribonuclease III; minus strand). Cytogenetic location: 14q32.13.
Variant type: Deletion.
Coding change: c.4109del on transcript NM_177438.3 (MANE Select); coding-DNA position 4109, one base deleted (T; older notation c.4109delT).
Protein change: p.Val1370fs; shifts the reading frame from valine 1370.
Molecular consequence: frameshift variant. On other transcripts: non-coding transcript variant (6).
Genome position (GRCh38, 1-based): chr14:95,099,877, A deleted on the plus strand (T on the coding strand, the reverse complement: DICER1 is on the minus strand). VCF-style (leftmost placement, unchanged base first): chr14-95099876-CA-C. GRCh37 (hg19) VCF-style: chr14-95566213-CA-C.
Other names: c.4109del, p.Val1370fs (NM_001395692.1, NM_001395693.1, NM_001395694.1 and 12 more transcripts); c.3704del, p.Val1235fs (NM_001395696.1, NM_001395688.1, NM_001395689.1 and 2 more transcripts); c.2426del, p.Val809fs (NM_001395697.1); c.3542del, p.Val1181fs (NM_001395691.1); c.3827del, p.Val1276fs (NM_001395686.1); short protein forms V1235fs, V1181fs, V1370fs, V1276fs, V809fs.
Identifiers: ClinVar variation 4240512 (VCV004240512.2).
Genomic context (GRCh38, chr14:95,099,876, plus strand): 5'-GTCTTGATTTACTACATAACCAGGAGGAAGCCAATTCACAGGGGGATCAAATATTGACAC[CA>C]CCATGCGGCTGGGTAGTCCCTTCTTTTTTCCAAGGCGATACAGATTACAGTTGCTGACCT-3'

ClinVar aggregate classification (germline): Pathogenic/Likely pathogenic. Review status: criteria provided, multiple submitters, no conflicts (2 of 4 stars). 2 submissions from 2 submitters: Pathogenic (1); Likely pathogenic (1). Last evaluated 2025-08-01.

Conditions:
DICER1-related tumor predisposition. Also called: DICER1 syndrome; DICER1-related pleuropulmonary blastoma cancer predisposition syndrome. Identifiers: Orphanet 284343, MedGen C3839822, MONDO:0100216.
Hereditary cancer-predisposing syndrome. Also called: Neoplastic Syndromes, Hereditary; Tumor predisposition; Hereditary Cancer Syndrome; Hereditary neoplastic syndrome. Identifiers: Orphanet 140162, MedGen C0027672, MeSH D009386, MONDO:0015356.

Submissions (2):

Ambry Genetics
Classification: Pathogenic for Hereditary cancer-predisposing syndrome. Last evaluated: 2025-08-01. Review status: criteria provided, single submitter. Criteria: Ambry Variant Classification Scheme 2023. Collection method: clinical testing. Allele origin: germline.
Comment: The c.4109delT pathogenic mutation, located in coding exon 21 of the DICER1 gene, results from a deletion of one nucleotide at nucleotide position 4109, causing a translational frameshift with a predicted alternate stop codon (p.V1370Gfs*9). This variant is considered to be rare based on population cohorts in the Genome Aggregation Database (gnomAD). This alteration is expected to result in loss of function by premature protein truncation or nonsense-mediated mRNA decay. As such, this alteration is interpreted as a disease-causing mutation.

Institute for Genomic Medicine (IGM) Clinical Laboratory, Nationwide Children's Hospital
Classification: Likely pathogenic for DICER1-related tumor predisposition. Last evaluated: 2025-05-13. Review status: criteria provided, single submitter. Criteria: ACMG Guidelines, 2015. Collection method: clinical testing. Allele origin: germline.
Comment: This variant is predicted to result in loss of function through nonsense-mediated decay of the encoded transcript or premature truncation of the encoded protein in a gene in which loss of function is a known mechanism of disease (ACMG/AMP: PVS1; PMIDs:26925222, 31342592). This variant is absent from or present at an exceedingly low frequency in gnomAD, a large-scale control population database (ACMG/AMP: PM2).

Literature cited by the submitters: PubMed 26925222 (cited by Institute for Genomic Medicine (IGM) Clinical Laboratory, Nationwide Children's Hospital); PubMed 31342592 (cited by Institute for Genomic Medicine (IGM) Clinical Laboratory, Nationwide Children's Hospital).